The following is an entry in ClinVar:

NM_003737.4(DCHS1):c.5693C>T (p.Thr1898Ile)

Gene: DCHS1 (dachsous cadherin-related 1; minus strand). Cytogenetic location: 11p15.4.
Variant type: single nucleotide variant.
Coding change: c.5693C>T on transcript NM_003737.4 (MANE Select); coding-DNA position 5693, C replaced by T.
Protein change: p.Thr1898Ile; replaces threonine 1898 with isoleucine.
Molecular consequence: missense variant.
Genome position (GRCh38, 1-based): chr11:6,627,346, G>A on the plus strand (C>T on the coding strand, the complement: DCHS1 is on the minus strand). VCF-style: chr11-6627346-G-A. GRCh37 (hg19) VCF-style: chr11-6648577-G-A.
Other names: short protein forms T1898I.
Identifiers: ClinVar variation 2980439 (VCV002980439.3), dbSNP rs907194720, ClinGen allele CA217297330.

ClinVar aggregate classification (germline): Uncertain significance (1 of 4 stars; one submission).

Allele frequency attached by ClinVar (database versions not stated): TOPMed below 0.00001.
gnomAD v4.1: 4 of 1,608,472 alleles (0.00025%); highest among the groups gnomAD compares: Non-Finnish European, 0.00025%; no homozygotes.

Submission:

Labcorp Genetics (formerly Invitae), Labcorp
Classification: Uncertain significance. Last evaluated: 2024-02-16. Review status: criteria provided, single submitter. Criteria: Invitae Variant Classification Sherloc (09022015). Collection method: clinical testing. Allele origin: germline.
Comment: This sequence change replaces threonine, which is neutral and polar, with isoleucine, which is neutral and non-polar, at codon 1898 of the DCHS1 protein (p.Thr1898Ile). This variant is present in population databases (no rsID available, gnomAD 0.007%). This variant has not been reported in the literature in individuals affected with DCHS1-related conditions. Advanced modeling of protein sequence and biophysical properties (such as structural, functional, and spatial information, amino acid conservation, physicochemical variation, residue mobility, and thermodynamic stability) performed at Invitae indicates that this missense variant is not expected to disrupt DCHS1 protein function with a negative predictive value of 80%. In summary, the available evidence is currently insufficient to determine the role of this variant in disease. Therefore, it has been classified as a Variant of Uncertain Significance.